The following is an entry in ClinVar:

ClinVar aggregate classification (germline): Uncertain significance (1 of 4 stars; one submission).

gnomAD v4.1: 8 of 1,612,694 alleles (0.0005%); highest among the groups gnomAD compares: Admixed American, 0.0017%; no homozygotes.

Submission:

Women's Health and Genetics/Laboratory Corporation of America, LabCorp
Classification: Uncertain significance. Last evaluated: 2025-07-02. Review status: criteria provided, single submitter. Criteria: LabCorp Variant Classification Summary - May 2015. Collection method: clinical testing. Allele origin: germline.
Comment: Variant summary: MYO15A c.5117G>A (p.Gly1706Asp) results in a non-conservative amino acid change in the encoded protein sequence. Algorithms developed to predict the effect of missense changes on protein structure and function all suggest that this variant is likely to be disruptive. The variant allele was found at a frequency of 4.1e-06 in 246080 control chromosomes. The available data on variant occurrences in the general population are insufficient to allow any conclusion about variant significance. To our knowledge, no occurrence of c.5117G>A in individuals affected with Autosomal Recessive Nonsyndromic Hearing Loss 3 and no experimental evidence demonstrating its impact on protein function have been reported. No submitters have cited clinical-significance assessments for this variant to ClinVar. Based on the evidence outlined above, the variant was classified as uncertain significance.

NM_016239.4(MYO15A):c.5117G>A (p.Gly1706Asp)

Gene: MYO15A (myosin XVA; plus strand). Cytogenetic location: 17p11.2.
Variant type: single nucleotide variant.
Coding change: c.5117G>A on transcript NM_016239.4 (MANE Select); coding-DNA position 5117, G replaced by A.
Protein change: p.Gly1706Asp; replaces glycine 1706 with aspartic acid.
Molecular consequence: missense variant.
Genome position (GRCh38, 1-based): chr17:18,138,920, G>A. VCF-style: chr17-18138920-G-A. GRCh37 (hg19) VCF-style: chr17-18042234-G-A.
Other names: short protein forms G1706D.
Identifiers: ClinVar variation 3911981 (VCV003911981.2).